The following is an entry in ClinVar:

ClinVar aggregate classification (germline): Conflicting classifications of pathogenicity. Review status: criteria provided, conflicting classifications (1 of 4 stars). 14 submissions from 14 submitters: Uncertain significance (1); Benign (6); Likely benign (4). 3 of the submissions do not count toward it. Last evaluated 2026-02-03.

Conditions:
Connective tissue disorder. Also called: Connective tissue disease. Identifiers: MedGen C0009782, MONDO:0003900.
Heterotopia, periventricular, X-linked dominant (PVNH1). Also called: PERIVENTRICULAR NODULAR HETEROTOPIA 4; HETEROTOPIA, PERIVENTRICULAR, 1; PERIVENTRICULAR NODULAR HETEROTOPIA 1; X-linked periventricular heterotopia. Identifiers: Orphanet 2149, Orphanet 82004, MedGen C1848213, MONDO:0010233, OMIM 300049.
Melnick-Needles syndrome (MNS). Also called: Melnick-Needles Syndrome (FLNA-MNS); OSTEODYSPLASTY OF MELNICK AND NEEDLES; MELNICK-NEEDLES OSTEODYSPLASTY. Identifiers: Orphanet 2484, MedGen C0025237, MONDO:0010650, OMIM 309350.
Oto-palato-digital syndrome, type II (OPD2). Also called: Otopalatodigital Syndrome, Type II; Otopalatodigital Syndrome Type 2 (FLNA-OPD2); OPD II SYNDROME; FACIOPALATOOSSEOUS SYNDROME. Identifiers: Orphanet 669, Orphanet 90652, MedGen C1844696, MONDO:0010571, OMIM 304120.
Frontometaphyseal dysplasia (FMD1). Identifiers: Orphanet 1826, MedGen C0265293, MONDO:0015942.
Familial thoracic aortic aneurysm and aortic dissection (TAAD). Also called: Thoracic aortic aneurysms and dissections. Identifiers: Orphanet 91387, MedGen C4707243, MONDO:0019625.

Allele frequency attached by ClinVar (database versions not stated): 1000 Genomes Project 30x 0.00042; ExAC 0.00052; gnomAD exomes 0.00099; TOPMed 0.00128; gnomAD 0.00139 and 0.00140; ESP Exome Variant Server 0.00172.
gnomAD v4.1: 2,280 of 1,208,470 alleles (0.19%); highest among the groups gnomAD compares: Non-Finnish European, 0.24%; no homozygotes.

Submissions (14):

Labcorp Genetics (formerly Invitae), Labcorp
Classification: Benign for Oto-palato-digital syndrome, type II; Heterotopia, periventricular, X-linked dominant; Frontometaphyseal dysplasia; Melnick-Needles syndrome. Last evaluated: 2026-02-03. Review status: criteria provided, single submitter. Criteria: Invitae Variant Classification Sherloc (09022015). Collection method: clinical testing. Allele origin: germline.

ARUP Laboratories, Molecular Genetics and Genomics, ARUP Laboratories
Classification: Benign. Last evaluated: 2025-05-05. Review status: criteria provided, single submitter. Criteria: ARUP Molecular Germline Variant Investigation Process 2024. Collection method: clinical testing. Allele origin: germline.

Blueprint Genetics
Classification: Likely benign. Last evaluated: 2024-11-25. Review status: criteria provided, single submitter. Criteria: ACMG Guidelines, 2015. Collection method: clinical testing. Allele origin: germline.

Mayo Clinic Laboratories, Mayo Clinic
Classification: Likely benign. Last evaluated: 2024-01-29. Review status: criteria provided, single submitter. Criteria: ACMG Guidelines, 2015. Collection method: clinical testing. Allele origin: germline. Observed: 34 variant alleles.
Comment: BS2, BP4, BP7

Women's Health and Genetics/Laboratory Corporation of America, LabCorp
Classification: Benign. Last evaluated: 2023-07-21. Review status: criteria provided, single submitter. Criteria: LabCorp Variant Classification Summary - May 2015. Collection method: clinical testing. Allele origin: germline.

Athena Diagnostics
Classification: Benign. Last evaluated: 2018-12-27. Review status: criteria provided, single submitter. Criteria: Athena Diagnostics Criteria. Collection method: clinical testing. Allele origin: germline.

Center for Human Genetics, Inc
Classification: Likely benign for Connective tissue disorder. Last evaluated: 2016-11-01. Review status: criteria provided, single submitter. Criteria: ACMG Guidelines, 2015. Collection method: clinical testing. Allele origin: germline. Affected: yes.

Genetic Services Laboratory, University of Chicago
Classification: Benign. Last evaluated: 2016-03-31. Review status: criteria provided, single submitter. Criteria: ACMG Guidelines, 2015. Collection method: clinical testing. Allele origin: germline. Affected: no.

Ambry Genetics
Classification: Likely benign for Familial thoracic aortic aneurysm and aortic dissection. Last evaluated: 2015-09-14. Review status: criteria provided, single submitter. Criteria: Ambry Variant Classification Scheme 2023. Collection method: clinical testing. Allele origin: germline.

Eurofins Ntd Llc (ga)
Classification: Uncertain significance. Last evaluated: 2015-03-02. Review status: criteria provided, single submitter. Criteria: EGL Classification Definitions 2015. Collection method: clinical testing. Allele origin: germline. Observed: 2 variant alleles, 2 hemizygotes.

GeneDx
Classification: Benign. Last evaluated: 2014-09-11. Review status: criteria provided, single submitter. Criteria: GeneDx Variant Classification (06012015). Collection method: clinical testing. Allele origin: germline. Affected: yes.
Comment: This variant is considered likely benign or benign based on one or more of the following criteria: it is a conservative change, it occurs at a poorly conserved position in the protein, it is predicted to be benign by multiple in silico algorithms, and/or has population frequency not consistent with disease.

Clinical Genetics DNA and cytogenetics Diagnostics Lab, Erasmus MC, Erasmus Medical Center
Classification: Likely benign. Review status: no assertion criteria provided. Collection method: clinical testing. Allele origin: germline. Affected: yes. Study: VKGL Data-share Consensus. Not counted in ClinVar's aggregate classification.

Genome Diagnostics Laboratory, Amsterdam University Medical Center
Classification: Likely benign. Review status: no assertion criteria provided. Collection method: clinical testing. Allele origin: germline. Affected: yes. Study: VKGL Data-share Consensus. Not counted in ClinVar's aggregate classification.

Genome Diagnostics Laboratory, University Medical Center Utrecht
Classification: Likely benign. Review status: no assertion criteria provided. Collection method: clinical testing. Allele origin: germline. Affected: yes. Study: VKGL Data-share Consensus. Not counted in ClinVar's aggregate classification.

NM_001110556.2(FLNA):c.1875C>T (p.Asp625=)

Gene: FLNA (filamin A; minus strand). Cytogenetic location: Xq28.
Variant type: single nucleotide variant.
Coding change: c.1875C>T on transcript NM_001110556.2 (MANE Select); coding-DNA position 1875, C replaced by T.
Protein change: p.Asp625=; no amino-acid change (aspartic acid 625 retained).
Molecular consequence: synonymous variant.
Genome position (GRCh38, 1-based): chrX:154,364,673, G>A on the plus strand (C>T on the coding strand, the complement: FLNA is on the minus strand). VCF-style: chrX-154364673-G-A. GRCh37 (hg19) VCF-style: chrX-153593041-G-A.
Other names: p.Asp625=; c.1875C>T, p.Asp625= (NM_001456.4).
Identifiers: ClinVar variation 194196 (VCV000194196.43), dbSNP rs200660642, ClinGen allele CA211149.
Genomic context (GRCh38, chrX:154,364,673, plus strand): 5'-AACGGCATACTCGCCAGCCTCCTGCGGCCAGTAGCGCACATCACAGGAGCCGTCGCCCTT[G>A]TCGTCACATTCGATCTTAGCCTGCGATGGCCCTTCCACCGAGAAGCCTGACAACAGCCAC-3'
Protein context (NP_001104026.1, residues 615-635): GPSQAKIECD[Asp625=]KGDGSCDVRY